The following is an entry in ClinVar:

ClinVar aggregate classification (germline): Uncertain significance (1 of 4 stars; one submission).

Conditions:
Landau-Kleffner syndrome (FESD). Also called: EPILEPSY, FOCAL, WITH SPEECH DISORDER AND WITH OR WITHOUT MENTAL RETARDATION; APHASIA, ACQUIRED, WITH EPILEPSY. Identifiers: Orphanet 1945, Orphanet 725, Orphanet 98818, MedGen C0282512, MONDO:0009509, OMIM 245570.

Allele frequency attached by ClinVar (database versions not stated): gnomAD exomes 0.00001; ExAC 0.00002.
gnomAD v4.1: 3 of 1,614,110 alleles (0.00019%); highest among the groups gnomAD compares: South Asian, 0.0011%; no homozygotes.

Submission:

Labcorp Genetics (formerly Invitae), Labcorp
Classification: Uncertain significance for Landau-Kleffner syndrome. Last evaluated: 2023-06-04. Review status: criteria provided, single submitter. Criteria: Invitae Variant Classification Sherloc (09022015). Collection method: clinical testing. Allele origin: germline.
Comment: In summary, the available evidence is currently insufficient to determine the role of this variant in disease. Therefore, it has been classified as a Variant of Uncertain Significance. Advanced modeling of protein sequence and biophysical properties (such as structural, functional, and spatial information, amino acid conservation, physicochemical variation, residue mobility, and thermodynamic stability) performed at Invitae indicates that this missense variant is not expected to disrupt GRIN2A protein function. This variant has not been reported in the literature in individuals affected with GRIN2A-related conditions. This variant is present in population databases (rs765039129, gnomAD 0.003%). This sequence change replaces isoleucine, which is neutral and non-polar, with valine, which is neutral and non-polar, at codon 750 of the GRIN2A protein (p.Ile750Val).

NM_001134407.3(GRIN2A):c.2248A>G (p.Ile750Val)

Gene: GRIN2A (glutamate ionotropic receptor NMDA type subunit 2A; minus strand). Cytogenetic location: 16p13.2.
Variant type: single nucleotide variant.
Coding change: c.2248A>G on transcript NM_001134407.3 (MANE Select); coding-DNA position 2248, A replaced by G.
Protein change: p.Ile750Val; replaces isoleucine 750 with valine.
Molecular consequence: missense variant.
Genome position (GRCh38, 1-based): chr16:9,798,385, T>C on the plus strand (A>G on the coding strand, the complement: GRIN2A is on the minus strand). VCF-style: chr16-9798385-T-C. GRCh37 (hg19) VCF-style: chr16-9892242-T-C.
Other names: c.2248A>G, p.Ile750Val (NM_000833.5, NM_001134408.2); short protein forms I750V.
Identifiers: ClinVar variation 2852950 (VCV002852950.3), dbSNP rs765039129, ClinGen allele CA7896552.